The following is an entry in ClinVar:

NM_005188.4(CBL):c.1517G>T (p.Arg506Leu)

Gene: CBL (Cbl proto-oncogene; plus strand). Cytogenetic location: 11q23.3.
Variant type: single nucleotide variant.
Coding change: c.1517G>T on transcript NM_005188.4 (MANE Select); coding-DNA position 1517, G replaced by T.
Protein change: p.Arg506Leu; replaces arginine 506 with leucine.
Molecular consequence: missense variant.
Genome position (GRCh38, 1-based): chr11:119,285,054, G>T. VCF-style: chr11-119285054-G-T. GRCh37 (hg19) VCF-style: chr11-119155764-G-T.
Other names: c.1517G>T (NM_005188.2); short protein forms R506L.
Identifiers: ClinVar variation 1040485 (VCV001040485.9), dbSNP rs746728465, ClinGen allele CA6318544.
Genomic context (GRCh38, chr11:119,285,054, plus strand): 5'-CCATGGCCCCACAAGCTTCCCTTCCCCCGGTGCCACCACGACTTGACCTTCTGCCGCAGC[G>T]AGTATGTGTTCCCTCAAGTGCTTCTGCTCTTGGAACTGCTTCTAAGGTAAAGCATTTTCC-3'
Protein context (NP_005179.2, residues 496-516): VPPRLDLLPQ[Arg506Leu]VCVPSSASAL

ClinVar aggregate classification (germline): Uncertain significance. Review status: criteria provided, multiple submitters, no conflicts (2 of 4 stars). 2 submissions from 2 submitters: Uncertain significance (2). Last evaluated 2025-09-11.

Conditions:
RASopathy. Also called: rasopathies; Noonan spectrum disorder. Identifiers: Orphanet 536391, MedGen C5555857, MONDO:0021060.
Cardiovascular phenotype. Identifiers: MedGen CN230736.

Allele frequency attached by ClinVar (database versions not stated): ExAC 0.00001; gnomAD 0.00001; gnomAD exomes 0.00001.
gnomAD v4.1: 8 of 1,614,006 alleles (0.0005%); highest among the groups gnomAD compares: Middle Eastern, 0.016%; no homozygotes.

Submissions (2):

Labcorp Genetics (formerly Invitae), Labcorp
Classification: Uncertain significance for RASopathy. Last evaluated: 2025-09-11. Review status: criteria provided, single submitter. Criteria: Invitae Variant Classification Sherloc (09022015). Collection method: clinical testing. Allele origin: germline.
Comment: This sequence change replaces arginine, which is basic and polar, with leucine, which is neutral and non-polar, at codon 506 of the CBL protein (p.Arg506Leu). This variant is present in population databases (rs746728465, gnomAD 0.002%). This variant has not been reported in the literature in individuals affected with CBL-related conditions. ClinVar contains an entry for this variant (Variation ID: 1040485). Invitae Evidence Modeling of protein sequence and biophysical properties (such as structural, functional, and spatial information, amino acid conservation, physicochemical variation, residue mobility, and thermodynamic stability) indicates that this missense variant is not expected to disrupt CBL protein function with a negative predictive value of 95%. In summary, the available evidence is currently insufficient to determine the role of this variant in disease. Therefore, it has been classified as a Variant of Uncertain Significance.

Ambry Genetics
Classification: Uncertain significance for Cardiovascular phenotype. Last evaluated: 2025-01-24. Review status: criteria provided, single submitter. Criteria: Ambry Variant Classification Scheme 2023. Collection method: clinical testing. Allele origin: germline.
Comment: The p.R506L variant (also known as c.1517G>T), located in coding exon 10 of the CBL gene, results from a G to T substitution at nucleotide position 1517. The arginine at codon 506 is replaced by leucine, an amino acid with dissimilar properties. This amino acid position is conserved. In addition, this alteration is predicted to be deleterious by in silico analysis. Based on the available evidence, the clinical significance of this variant remains unclear.